The following is an entry in ClinVar:

NM_001377137.1(GBF1):c.524-7T>C

Gene: GBF1 (golgi brefeldin A resistant guanine nucleotide exchange factor 1; plus strand). Cytogenetic location: 10q24.32.
Variant type: single nucleotide variant.
Coding change: c.524-7T>C on transcript NM_001377137.1 (MANE Select); 7 bases into the intron before coding-DNA position 524, T replaced by C.
Molecular consequence: intron variant.
Genome position (GRCh38, 1-based): chr10:102,352,451, T>C. VCF-style: chr10-102352451-T-C. GRCh37 (hg19) VCF-style: chr10-104112208-T-C.
Other names: p.?; c.524-7T>C (NM_001391924.1, NM_001391923.1, NM_001377141.1 and 14 more transcripts).
Identifiers: ClinVar variation 774559 (VCV000774559.5), dbSNP rs116123526, ClinGen allele CA5663021.
Genomic context (GRCh38, chr10:102,352,451, plus strand): 5'-CTGAGAACCCTCTTGATAATAGCACAGCAAGTAATGACACCTGTGTTATTTGTTTTTGCC[T>C]GTGCAGAGTTATTGAGAAAATCCGCAGAGCACACTCTCGTAGACATGGTGCAGCTGCTCT-3'

ClinVar aggregate classification (germline): Benign. Review status: criteria provided, multiple submitters, no conflicts (2 of 4 stars). 3 submissions from 3 submitters: Benign (3). Last evaluated 2023-03-15.

Allele frequency attached by ClinVar (database versions not stated): gnomAD exomes 0.00269; TOPMed 0.01172; 1000 Genomes Project 30x 0.01421; gnomAD 0.01034 and 0.01101; ExAC 0.00327; ESP Exome Variant Server 0.01184; 1000 Genomes Project 0.01298.
gnomAD v4.1: 3,081 of 1,600,054 alleles (0.19%); highest among the groups gnomAD compares: African/African-American, 3.7%; 51 homozygotes.

Submissions (3):

Mayo Clinic Laboratories, Mayo Clinic
Classification: Benign. Last evaluated: 2023-03-15. Review status: criteria provided, single submitter. Criteria: ACMG Guidelines, 2015. Collection method: clinical testing. Allele origin: germline. Observed: 4 variant alleles.
Comment: BS1, BS2, BP4

Labcorp Genetics (formerly Invitae), Labcorp
Classification: Benign. Last evaluated: 2018-04-04. Review status: criteria provided, single submitter. Criteria: Invitae Variant Classification Sherloc (09022015). Collection method: clinical testing. Allele origin: germline.

Breakthrough Genomics
Classification: Benign. Review status: criteria provided, single submitter. Criteria: ACMG Guidelines, 2015. Collection method: not provided. Allele origin: germline. Inheritance: Autosomal dominant inheritance. Affected: yes.